The following is an entry in ClinVar:

NM_001276345.2(TNNT2):c.852-2A>G

Gene: TNNT2 (troponin T2, cardiac type; minus strand). Cytogenetic location: 1q32.1.
Variant type: single nucleotide variant.
Coding change: c.852-2A>G on transcript NM_001276345.2 (MANE Select); the canonical splice acceptor site of the intron before coding-DNA position 852, A replaced by G.
Molecular consequence: splice acceptor variant.
Genome position (GRCh38, 1-based): chr1:201,359,257, T>C on the plus strand (A>G on the coding strand, the complement: TNNT2 is on the minus strand). VCF-style: chr1-201359257-T-C. GRCh37 (hg19) VCF-style: chr1-201328385-T-C.
Other names: c.807-2A>G (NM_001406728.1); c.819-2A>G (NM_001406725.1); c.813-2A>G (NM_001001431.3, NM_001406726.1, NM_001406727.1); c.822-2A>G (NM_001001430.3, NM_001276347.2, NM_001406724.1); c.723-2A>G (NM_001276346.2); c.843-2A>G (NM_000364.4, NM_001406723.1); c.804-2A>G (NM_001001432.3).
Identifiers: ClinVar variation 954973 (VCV000954973.2), dbSNP rs111692981, ClinGen allele CA35413297.
Genomic context (GRCh38, chr1:201,359,257, plus strand): 5'-AGGAGGCCAGGCTCTATTTCCAGCGCCCGGTGACTTTAGCCTTCCCGCGGGTCTTGGAGC[T>C]GCAGGGGAAGCAGGACGCAGTGACATGGAGACACAGGCAGGGTAGTAGGTCACCATGCGG-3'

ClinVar aggregate classification (germline): Conflicting classifications of pathogenicity. Review status: criteria provided, conflicting classifications (1 of 4 stars). 2 submissions from 2 submitters: Pathogenic (1); Uncertain significance (1). Last evaluated 2019-10-07.

Conditions:
TNNT2-related disorder. Also called: TNNT2-related condition.
Cardiomyopathy, familial restrictive, 3. Identifiers: Orphanet 75249, MedGen C2676271, MONDO:0012900, OMIM 612422.
Dilated cardiomyopathy 1D. Identifiers: Orphanet 154, Orphanet 54260, MedGen C1832243, MONDO:0011095, OMIM 601494.
Hypertrophic cardiomyopathy 2. Also called: TNNT2-Related Familial Hypertrophic Cardiomyopathy. Identifiers: MedGen C1861864, MONDO:0007266, OMIM 115195.

Submissions (2):

Labcorp Genetics (formerly Invitae), Labcorp
Classification: Uncertain significance for Familial restrictive cardiomyopathy 3; Familial hypertrophic cardiomyopathy 2; Left ventricular noncompaction 6. Last evaluated: 2019-10-07. Review status: criteria provided, single submitter. Criteria: Invitae Variant Classification Sherloc (09022015). Collection method: clinical testing. Allele origin: germline.
Comment: This sequence change falls in intron 15 of the TNNT2 gene. It does not directly change the encoded amino acid sequence of the TNNT2 protein, but it affects a nucleotide within the consensus splice site of the intron. This variant is not present in population databases (ExAC no frequency). This variant has not been reported in the literature in individuals with TNNT2-related conditions. Nucleotide substitutions within the consensus splice site are a relatively common cause of aberrant splicing (PMID: 17576681, 9536098). Algorithms developed to predict the effect of sequence changes on RNA splicing suggest that this variant may disrupt the consensus splice site, but this prediction has not been confirmed by published transcriptional studies. In summary, the available evidence is currently insufficient to determine the role of this variant in disease. Therefore, it has been classified as a Variant of Uncertain Significance.

Blueprint Genetics
Classification: Pathogenic for TNNT2-related disorders. Last evaluated: 2019-05-15. Review status: criteria provided, single submitter. Criteria: ACMG Guidelines, 2015. Collection method: clinical testing. Allele origin: germline. Affected: yes. Observed: 1 variant allele.